The following is an entry in ClinVar:

NM_000246.4(CIITA):c.1010C>T (p.Pro337Leu)

Gene: CIITA (class II major histocompatibility complex transactivator; plus strand). Cytogenetic location: 16p13.13.
Variant type: single nucleotide variant.
Coding change: c.1010C>T on transcript NM_000246.4 (MANE Select); coding-DNA position 1010, C replaced by T.
Protein change: p.Pro337Leu; replaces proline 337 with leucine.
Molecular consequence: missense variant. On other transcripts: intron variant (1).
Genome position (GRCh38, 1-based): chr16:10,906,502, C>T. VCF-style: chr16-10906502-C-T. GRCh37 (hg19) VCF-style: chr16-11000359-C-T.
Other names: c.1013C>T, p.Pro338Leu (NM_001286402.1, NM_001379332.1); c.866C>T, p.Pro289Leu (NM_001379330.1); c.863C>T, p.Pro288Leu (NM_001379331.1); c.1010C>T, p.Pro337Leu (NM_001379333.1); c.941C>T, p.Pro314Leu (NM_001379334.1); c.859+1690C>T (NM_001286403.2); short protein forms P338L, P337L, P288L, P289L, P314L.
Identifiers: ClinVar variation 646322 (VCV000646322.10), dbSNP rs147670132, ClinGen allele CA7900028.

ClinVar aggregate classification (germline): Uncertain significance. Review status: criteria provided, multiple submitters, no conflicts (2 of 4 stars). 3 submissions from 3 submitters: Uncertain significance (2). 1 of the submissions does not count toward it. Last evaluated 2022-07-25.

Conditions:
MHC class II deficiency. Also called: Bare lymphocyte syndrome 2; BLS, TYPE II. Identifiers: Orphanet 572, MedGen C5447452, MONDO:0008855.

Allele frequency attached by ClinVar (database versions not stated): gnomAD 0.00010; TOPMed 0.00010; ESP Exome Variant Server 0.00015.
gnomAD v4.1: 314 of 1,611,630 alleles (0.019%); highest among the groups gnomAD compares: Non-Finnish European, 0.026%; no homozygotes.

Submissions (3):

Labcorp Genetics (formerly Invitae), Labcorp
Classification: Uncertain significance for MHC class II deficiency. Last evaluated: 2022-07-25. Review status: criteria provided, single submitter. Criteria: Invitae Variant Classification Sherloc (09022015). Collection method: clinical testing. Allele origin: germline.
Comment: This sequence change replaces proline, which is neutral and non-polar, with leucine, which is neutral and non-polar, at codon 337 of the CIITA protein (p.Pro337Leu). This variant is present in population databases (rs147670132, gnomAD 0.02%). This variant has not been reported in the literature in individuals affected with CIITA-related conditions. ClinVar contains an entry for this variant (Variation ID: 646322). Algorithms developed to predict the effect of missense changes on protein structure and function (SIFT, PolyPhen-2, Align-GVGD) all suggest that this variant is likely to be tolerated. In summary, the available evidence is currently insufficient to determine the role of this variant in disease. Therefore, it has been classified as a Variant of Uncertain Significance.

Illumina Laboratory Services, Illumina
Classification: Uncertain significance for MHC class II deficiency 1. Last evaluated: 2018-01-12. Review status: criteria provided, single submitter. Criteria: ICSL Variant Classification Criteria 13 December 2019. Collection method: clinical testing. Allele origin: germline.

Natera, Inc.
Classification: Uncertain significance for Bare lymphocyte syndrome type II. Last evaluated: 2020-01-17. Review status: no assertion criteria provided. Collection method: clinical testing. Allele origin: germline. Not counted in ClinVar's aggregate classification.